The following is an entry in ClinVar:

ClinVar aggregate classification (germline): Uncertain significance (1 of 4 stars; one submission).

Submission:

Labcorp Genetics (formerly Invitae), Labcorp
Classification: Uncertain significance. Last evaluated: 2023-12-11. Review status: criteria provided, single submitter. Criteria: Invitae Variant Classification Sherloc (09022015). Collection method: clinical testing. Allele origin: germline.
Comment: This sequence change replaces glutamic acid, which is acidic and polar, with glycine, which is neutral and non-polar, at codon 534 of the CEP89 protein (p.Glu534Gly). This variant is not present in population databases (gnomAD no frequency). This variant has not been reported in the literature in individuals affected with CEP89-related conditions. An algorithm developed to predict the effect of missense changes on protein structure and function (PolyPhen-2) suggests that this variant is likely to be tolerated. In summary, the available evidence is currently insufficient to determine the role of this variant in disease. Therefore, it has been classified as a Variant of Uncertain Significance.

NM_032816.5(CEP89):c.1601A>G (p.Glu534Gly)

Gene: CEP89 (centrosomal protein 89; minus strand). Cytogenetic location: 19q13.11.
Variant type: single nucleotide variant.
Coding change: c.1601A>G on transcript NM_032816.5 (MANE Select); coding-DNA position 1601, A replaced by G.
Protein change: p.Glu534Gly; replaces glutamic acid 534 with glycine.
Molecular consequence: missense variant.
Genome position (GRCh38, 1-based): chr19:32,901,377, T>C on the plus strand (A>G on the coding strand, the complement: CEP89 is on the minus strand). VCF-style: chr19-32901377-T-C. GRCh37 (hg19) VCF-style: chr19-33392283-T-C.
Other names: short protein forms E534G.
Identifiers: ClinVar variation 2764732 (VCV002764732.3), dbSNP rs2513658369, ClinGen allele CA405196906.